The following is an entry in ClinVar:

NM_000179.3(MSH6):c.644dup (p.Thr216fs)

Gene: MSH6 (mutS homolog 6; plus strand). Cytogenetic location: 2p16.3.
Variant type: Duplication.
Coding change: c.644dup on transcript NM_000179.3 (MANE Select); coding-DNA position 644, one base duplicated (T; older notation c.644dupT).
Protein change: p.Thr216fs; shifts the reading frame from threonine 216.
Molecular consequence: frameshift variant. On other transcripts: 5 prime UTR variant (2).
Genome position (GRCh38, 1-based): chr2:47,798,627, T duplicated. VCF-style (leftmost placement, unchanged base first): chr2-47798626-G-GT. GRCh37 (hg19) VCF-style: chr2-48025765-G-GT.
Other names: c.254dup, p.Thr86fs (NM_001281492.2); c.-263dup (NM_001281493.2, NM_001281494.2); c.644dupT (NM_000179.2); short protein forms T216fs, T86fs.
Identifiers: ClinVar variation 662185 (VCV000662185.12), dbSNP rs1572719776, ClinGen allele CA915943798.
Genomic context (GRCh38, chr2:47,798,626, plus strand): 5'-TCCAAATTTTGATTTGTTTTTAAATACTCTTTCCTTGCCTGGCAGGTAGGCACAACTTAC[G>GT]TAACAGATAAGAGTGAAGAAGATAATGAAATTGAGAGTGAAGAGGAAGTACAGCCTAAGA-3'

ClinVar aggregate classification (germline): Pathogenic/Likely pathogenic. Review status: criteria provided, multiple submitters, no conflicts (2 of 4 stars). 4 submissions from 4 submitters: Pathogenic (3); Likely pathogenic (1). Last evaluated 2025-02-13.

Conditions:
Hereditary cancer-predisposing syndrome. Also called: Neoplastic Syndromes, Hereditary; Hereditary Cancer Syndrome; Tumor predisposition; Hereditary neoplastic syndrome. Identifiers: Orphanet 140162, MedGen C0027672, MeSH D009386, MONDO:0015356.
Lynch syndrome 5 (LYNCH5). Also called: Colorectal cancer, hereditary nonpolyposis, type 5; Hereditary non-polyposis colorectal cancer, type 5. Identifiers: Orphanet 144, MedGen C1833477, MONDO:0013710, OMIM 614350. Disease mechanism: loss of function.
Hereditary nonpolyposis colorectal neoplasms. Identifiers: MedGen C0009405, MeSH D003123.
MSH6-related disorder. Also called: MSH6-related condition; MSH6-Related disorders.

Submissions (4):

Ambry Genetics
Classification: Pathogenic for Hereditary cancer-predisposing syndrome. Last evaluated: 2025-02-13. Review status: criteria provided, single submitter. Criteria: Ambry Variant Classification Scheme 2023. Collection method: clinical testing. Allele origin: germline.
Comment: The c.644dupT pathogenic mutation, located in coding exon 4 of the MSH6 gene, results from a duplication of T at nucleotide position 644, causing a translational frameshift with a predicted alternate stop codon (p.T216Nfs*3). This alteration is expected to result in loss of function by premature protein truncation or nonsense-mediated mRNA decay. As such, this alteration is interpreted as a disease-causing mutation.

Labcorp Genetics (formerly Invitae), Labcorp
Classification: Pathogenic for Hereditary nonpolyposis colorectal neoplasms. Last evaluated: 2024-03-27. Review status: criteria provided, single submitter. Criteria: Invitae Variant Classification Sherloc (09022015). Collection method: clinical testing. Allele origin: germline.
Comment: This sequence change creates a premature translational stop signal (p.Thr216Asnfs*3) in the MSH6 gene. It is expected to result in an absent or disrupted protein product. Loss-of-function variants in MSH6 are known to be pathogenic (PMID: 18269114, 24362816). This variant is not present in population databases (gnomAD no frequency). This premature translational stop signal has been observed in individual(s) with colorectal cancer (PMID: 20028993). ClinVar contains an entry for this variant (Variation ID: 662185). For these reasons, this variant has been classified as Pathogenic.

Myriad Genetics, Inc.
Classification: Pathogenic for Lynch syndrome 5. Last evaluated: 2023-08-10. Review status: criteria provided, single submitter. Criteria: Myriad Autosomal Dominant, Autosomal Recessive and X-Linked Classification Criteria (2023). Collection method: clinical testing. Allele origin: unknown.
Comment: This variant is considered pathogenic. This variant creates a frameshift predicted to result in premature protein truncation.

Blueprint Genetics
Classification: Likely pathogenic for MSH6-related disorders. Last evaluated: 2023-02-14. Review status: criteria provided, single submitter. Criteria: ACMG Guidelines, 2015. Collection method: clinical testing. Allele origin: germline. Affected: yes. Observed: 1 variant allele.

Literature cited by the submitters: PubMed 18269114 (cited by Labcorp Genetics (formerly Invitae), Labcorp); PubMed 24362816 (cited by Labcorp Genetics (formerly Invitae), Labcorp); PubMed 20028993 (cited by Labcorp Genetics (formerly Invitae), Labcorp).